The following is an entry in ClinVar:

NM_007294.4(BRCA1):c.5155dup

Gene: BRCA1 (BRCA1 DNA repair associated; minus strand). Cytogenetic location: 17q21.31.
Variant type: Duplication.
Coding change: c.5155dup on transcript NM_007294.4 (MANE Select); coding-DNA position 5155, one base duplicated (G; older notation c.5155dupG).
Molecular consequence: splice acceptor variant.
Genome position (GRCh38, 1-based): chr17:43,063,371, C duplicated on the plus strand (G on the coding strand, the reverse complement: BRCA1 is on the minus strand); the first of 4 consecutive C bases (chr17:43,063,371-43,063,374); duplicating any one gives the same sequence. VCF-style (leftmost placement, unchanged base first): chr17-43063370-A-AC. GRCh37 (hg19) VCF-style: chr17-41215387-A-AC.
Other names: 5274_5275insG; c.5155dupG (NM_007294.3).
Identifiers: ClinVar variation 266527 (VCV000266527.19), dbSNP rs80357743, ClinGen allele CA10589615.
Genomic context (GRCh38, chr17:43,063,370, plus strand): 5'-AGTTTGTAACATCAAGTACTTACCTCATTCAGCATTTTTCTTTCTTTAATAGACTGGGTC[A>AC]CCCCTAAAGAGATCATAGAAAAGACAGGTTACATACAGCAGAAGAACGTGCTCTTTTCAC-3'

ClinVar aggregate classification (germline): Pathogenic. Review status: reviewed by expert panel (3 of 4 stars). 5 submissions from 5 submitters: Pathogenic (1). 4 of the submissions do not count toward it. Last evaluated 2016-10-18.

Conditions:
Hereditary breast ovarian cancer syndrome. Also called: Hereditary breast and ovarian cancer syndrome (HBOC); Breast and ovarian cancer; Hereditary breast and ovarian cancer syndrome; Hereditary breast and ovarian cancer; BRCA1- and BRCA2-Associated Hereditary Breast and Ovarian Cancer; Hereditary breast and/or ovarian cancer syndrome. Identifiers: Orphanet 145, MedGen C0677776, MeSH D061325, MONDO:0003582. Disease mechanism: loss of function.
Breast-ovarian cancer, familial, susceptibility to, 1 (BROVCA1). Also called: BRCA1 Hereditary Breast and Ovarian Cancer; OVARIAN CANCER, SUSCEPTIBILITY TO. Identifiers: Orphanet 145, MedGen C2676676, MONDO:0011450, OMIM 604370. Disease mechanism: loss of function.
Hereditary cancer-predisposing syndrome. Also called: Hereditary Cancer Syndrome; Neoplastic Syndromes, Hereditary; Hereditary neoplastic syndrome; Tumor predisposition. Identifiers: Orphanet 140162, MedGen C0027672, MeSH D009386, MONDO:0015356.

Submissions (5):

Evidence-based Network for the Interpretation of Germline Mutant Alleles (ENIGMA)
Classification: Pathogenic for Breast-ovarian cancer, familial, susceptibility to, 1. Last evaluated: 2016-10-18. Review status: reviewed by expert panel. Criteria: ENIGMA BRCA1/2 Classification Criteria (2015). Collection method: curation. Allele origin: germline.
Comment: Variant allele predicted to encode a truncated non-functional protein.

Color Diagnostics, LLC DBA Color Health
Classification: Pathogenic for Hereditary cancer-predisposing syndrome. Last evaluated: 2024-03-19. Review status: criteria provided, single submitter. Criteria: ACMG Guidelines, 2015. Collection method: clinical testing. Allele origin: germline. Not counted in ClinVar's aggregate classification.
Comment: This variant inserts 1 nucleotide in exon 18 of the BRCA1 gene, creating a frameshift and premature translation stop signal. This variant is expected to result in an absent or non-functional protein product. This variant has been reported in an individual affected with breast cancer (PMID: 31871109) and in a suspected hereditary breast and ovarian cancer family (PMID: 29446198). This variant has not been identified in the general population by the Genome Aggregation Database (gnomAD). Loss of BRCA1 function is a known mechanism of disease. Based on the available evidence, this variant is classified as Pathogenic.

Ambry Genetics
Classification: Pathogenic for Hereditary cancer-predisposing syndrome. Last evaluated: 2023-05-12. Review status: criteria provided, single submitter. Criteria: Ambry Variant Classification Scheme 2023. Collection method: clinical testing. Allele origin: germline. Not counted in ClinVar's aggregate classification.
Comment: The c.5155dupG pathogenic mutation, located in coding exon 17 of the BRCA1 gene, results from a duplication of G at nucleotide position 5155, causing a translational frameshift with a predicted alternate stop codon (p.V1719Gfs*6). This alteration was identified in a large, worldwide study of BRCA1/2 mutation positive families (Rebbeck TR et al. Hum. Mutat. 2018 05;39:593-620). In addition to the clinical data presented in the literature, this alteration is expected to result in loss of function by premature protein truncation or nonsense-mediated mRNA decay. As such, this alteration is interpreted as a disease-causing mutation.

Labcorp Genetics (formerly Invitae), Labcorp
Classification: Pathogenic for Hereditary breast ovarian cancer syndrome. Last evaluated: 2021-03-07. Review status: criteria provided, single submitter. Criteria: Invitae Variant Classification Sherloc (09022015). Collection method: clinical testing. Allele origin: germline. Not counted in ClinVar's aggregate classification.
Comment: This variant is not present in population databases (ExAC no frequency). This variant has not been reported in the literature in individuals with BRCA1-related conditions. ClinVar contains an entry for this variant (Variation ID: 266527). Algorithms developed to predict the effect of sequence changes on RNA splicing suggest that this variant may create or strengthen a splice site, but this prediction has not been confirmed by published transcriptional studies. For these reasons, this variant has been classified as Pathogenic. This sequence change creates a premature translational stop signal (p.Val1719Glyfs*6) in the BRCA1 gene. It is expected to result in an absent or disrupted protein product. Loss-of-function variants in BRCA1 are known to be pathogenic (PMID: 20104584).

Consortium of Investigators of Modifiers of BRCA1/2 (CIMBA), c/o University of Cambridge
Classification: Pathogenic for Breast-ovarian cancer, familial, susceptibility to, 1. Last evaluated: 2015-10-02. Review status: criteria provided, single submitter. Criteria: CIMBA Mutation Classification guidelines May 2016. Collection method: clinical testing. Allele origin: germline. Not counted in ClinVar's aggregate classification.

Literature cited by the submitters: PubMed 29446198 (cited by Color Diagnostics, LLC DBA Color Health and Ambry Genetics); PubMed 31871109 (cited by Color Diagnostics, LLC DBA Color Health); PubMed 20104584 (cited by Labcorp Genetics (formerly Invitae), Labcorp).